The following is an entry in ClinVar:

ClinVar aggregate classification (germline): Benign. Review status: criteria provided, multiple submitters, no conflicts (2 of 4 stars). 3 submissions from 3 submitters: Benign (3). Last evaluated 2026-02-02.

Allele frequency attached by ClinVar (database versions not stated): ESP Exome Variant Server 0.00515; gnomAD exomes 0.04890 and 0.01852; gnomAD 0.02404 and 0.02741; TOPMed 0.03166; ExAC 0.04504; 1000 Genomes Project 0.07428; 1000 Genomes Project 30x 0.07167.
gnomAD v4.1: 31,340 of 1,607,872 alleles (1.9%); highest among the groups gnomAD compares: East Asian, 28%; 2,599 homozygotes.

Submissions (3):

Labcorp Genetics (formerly Invitae), Labcorp
Classification: Benign. Last evaluated: 2026-02-02. Review status: criteria provided, single submitter. Criteria: Invitae Variant Classification Sherloc (09022015). Collection method: clinical testing. Allele origin: germline.

Unidad de Genómica Garrahan, Hospital de Pediatría Garrahan
Classification: Benign. Last evaluated: 2023-11-12. Review status: criteria provided, single submitter. Criteria: ACMG Guidelines, 2015. Collection method: clinical testing. Allele origin: germline. Affected: no. Observed: 22 variant alleles.
Comment: This variant is classified as Benign based on local population frequency. This variant was detected in 23% of patients studied by a panel of primary immunodeficiencies. Number of patients: 22. Only high quality variants are reported.

Mayo Clinic Laboratories, Mayo Clinic
Classification: Benign. Last evaluated: 2022-09-06. Review status: criteria provided, single submitter. Criteria: ACMG Guidelines, 2015. Collection method: clinical testing. Allele origin: germline. Observed: 5 variant alleles.

NM_021813.4(BACH2):c.1071C>T (p.Pro357=)

Gene: BACH2 (BACH transcriptional regulator 2; minus strand). Cytogenetic location: 6q15.
Variant type: single nucleotide variant.
Coding change: c.1071C>T on transcript NM_021813.4 (MANE Select); coding-DNA position 1071, C replaced by T.
Protein change: p.Pro357=; no amino-acid change (proline 357 retained).
Molecular consequence: synonymous variant.
Genome position (GRCh38, 1-based): chr6:89,951,035, G>A on the plus strand (C>T on the coding strand, the complement: BACH2 is on the minus strand). VCF-style: chr6-89951035-G-A. GRCh37 (hg19) VCF-style: chr6-90660754-G-A.
Other names: p.Pro357=; c.1071C>T, p.Pro357= (NM_001170794.2).
Identifiers: ClinVar variation 1166322 (VCV001166322.11), dbSNP rs2236182, ClinGen allele CA3928053.
Genomic context (GRCh38, chr6:89,951,035, plus strand): 5'-AGTGATCCCCTTGTCAAAAGGGCAGGCTGGACTCCTGGCAAAGTGCTGCTGAGATGTACT[G>A]GGCAGGCCAGACAGCTCCACACTTTTCGTTATGCTGAACAGAGACCTTAAGCAGGAGGGC-3'
Protein context (NP_068585.1, residues 347-367): ITKSVELSGL[Pro357=]STSQQHFARS